The following is an entry in ClinVar:

NM_002878.4(RAD51D):c.668-9C>T

Genes: RAD51D (RAD51 paralog D; minus strand), RAD51L3-RFFL (RAD51L3-RFFL readthrough; minus strand). Cytogenetic location: 17q12.
Variant type: single nucleotide variant.
Coding change: c.668-9C>T on transcript NM_002878.4 (MANE Select); 9 bases into the intron before coding-DNA position 668, C replaced by T.
Molecular consequence: intron variant.
Genome position (GRCh38, 1-based): chr17:35,103,333, G>A on the plus strand (C>T on the coding strand, the complement: RAD51D is on the minus strand). VCF-style: chr17-35103333-G-A. GRCh37 (hg19) VCF-style: chr17-33430352-G-A.
Other names: c.332-9C>T (NM_133629.3); c.728-9C>T (NM_001142571.2).
Identifiers: ClinVar variation 472618 (VCV000472618.8), dbSNP rs1555567544, ClinGen allele CA658656573.
Genomic context (GRCh38, chr17:35,103,333, plus strand): 5'-TCCCGGGCCAGGGTCTTCAGCTCTCGGGCCAGCTGCATCATCAAGGCCAAGCCTGCAGGA[G>A]GAGGAGAAGCAGAGAGGGAGGGCAGTGGGGAACCAGGGATGGGGCTGGCCAGAGACCAGA-3'

ClinVar aggregate classification (germline): Likely benign. Review status: criteria provided, multiple submitters, no conflicts (2 of 4 stars). 2 submissions from 2 submitters: Likely benign (2). Last evaluated 2025-02-24.

Conditions:
Breast-ovarian cancer, familial, susceptibility to, 4. Identifiers: Orphanet 145, MedGen C3280345, MONDO:0013669, OMIM 614291.

Submissions (2):

Myriad Genetics, Inc.
Classification: Likely benign for Breast-ovarian cancer, familial, susceptibility to, 4. Last evaluated: 2025-02-24. Review status: criteria provided, single submitter. Criteria: Myriad Autosomal Dominant, Autosomal Recessive and X-Linked Classification Criteria (2023). Collection method: clinical testing. Allele origin: unknown.
Comment: This variant is considered likely benign. This variant is intronic and is not expected to impact mRNA splicing.

Labcorp Genetics (formerly Invitae), Labcorp
Classification: Likely benign for Breast-ovarian cancer, familial, susceptibility to, 4. Last evaluated: 2022-05-30. Review status: criteria provided, single submitter. Criteria: Invitae Variant Classification Sherloc (09022015). Collection method: clinical testing. Allele origin: germline.